The following is an entry in ClinVar:

NM_000219.6(KCNE1):c.225C>G (p.Asn75Lys)

Gene: KCNE1 (potassium voltage-gated channel subfamily E regulatory subunit 1; minus strand). Cytogenetic location: 21q22.12.
Variant type: single nucleotide variant.
Coding change: c.225C>G on transcript NM_000219.6 (MANE Select); coding-DNA position 225, C replaced by G.
Protein change: p.Asn75Lys; replaces asparagine 75 with lysine.
Molecular consequence: missense variant.
Genome position (GRCh38, 1-based): chr21:34,449,410, G>C on the plus strand (C>G on the coding strand, the complement: KCNE1 is on the minus strand). VCF-style: chr21-34449410-G-C. GRCh37 (hg19) VCF-style: chr21-35821708-G-C.
Other names: c.225C>G, p.Asn75Lys (NM_001127668.4, NM_001127669.4, NM_001127670.4 and 4 more transcripts); short protein forms N75K.
Identifiers: ClinVar variation 3374371 (VCV003374371.2).
Genomic context (GRCh38, chr21:34,449,410, plus strand): 5'-GACATAGGCCTTGTCCTTCTCTTGCCAGGCATCGGACTCGATGTAGACGTTGAATGGGTC[G>C]TTCGAGTGCTCCAGCTTCTTGGAGCGGATGTAGCTCAGCATGATGCCCAGGGTGAAGAAG-3'
Protein context (NP_000210.2, residues 65-85): YIRSKKLEHS[Asn75Lys]DPFNVYIESD

Conditions:
Long QT syndrome 5 (LQT5). Identifiers: Orphanet 101016, Orphanet 768, MedGen C1867904, MONDO:0013372, OMIM 613695.

Submission:

Roden Lab, Vanderbilt University Medical Center
No classification provided (evidence only). Condition: Long QT syndrome 5. Review status: no classification provided. Collection method: in vitro. Allele origin: not applicable. Functional consequence: Effect on ion channel function.
ClinVar note: "not provided" was previously submitted as the classification for the variant. However, the classification appeared to be based only on an observation of functional data so it was converted to no classification on 2025-07-30.